The following is an entry in ClinVar:

ClinVar aggregate classification (germline): Pathogenic/Likely pathogenic. Review status: criteria provided, multiple submitters, no conflicts (2 of 4 stars). 3 submissions from 3 submitters: Pathogenic (1); Likely pathogenic (2). Last evaluated 2025-11-08.

Conditions:
Hereditary spastic paraplegia 39 (SPG39). Also called: SPASTIC PARAPLEGIA 39, AUTOSOMAL RECESSIVE; Spastic Paraplegia Type 39 (SPG39). Identifiers: Orphanet 139480, MedGen C2677586, MONDO:0012787, OMIM 612020.

Allele frequency attached by ClinVar (database versions not stated): gnomAD exomes below 0.00001.

Submissions (3):

Labcorp Genetics (formerly Invitae), Labcorp
Classification: Pathogenic for Hereditary spastic paraplegia 39. Last evaluated: 2025-11-08. Review status: criteria provided, single submitter. Criteria: Invitae Variant Classification Sherloc (09022015). Collection method: clinical testing. Allele origin: germline.
Comment: This sequence change creates a premature translational stop signal (p.Leu1246Glyfs*8) in the PNPLA6 gene. It is expected to result in an absent or disrupted protein product. Loss-of-function variants in PNPLA6 are known to be pathogenic (PMID: 24355708). This variant is not present in population databases (gnomAD no frequency). This variant has not been reported in the literature in individuals affected with PNPLA6-related conditions. ClinVar contains an entry for this variant (Variation ID: 372969). For these reasons, this variant has been classified as Pathogenic.

Revvity Omics, Revvity
Classification: Likely pathogenic. Last evaluated: 2022-05-17. Review status: criteria provided, single submitter. Criteria: ACMG Guidelines, 2015. Collection method: clinical testing. Allele origin: germline.

GeneDx
Classification: Likely pathogenic. Last evaluated: 2016-06-21. Review status: criteria provided, single submitter. Criteria: GeneDx Variant Classification (06012015). Collection method: clinical testing. Allele origin: germline. Affected: yes.
Comment: The c.3736_3737delTT variant in the PNPLA6 gene has not been reported previously as a pathogenic variant nor as a benign variant, to our knowledge. The c.3736_3737delTT variant causes a frameshift starting with codon Leucine 1246, changes this amino acid to a Glycine residue, and creates a premature Stop codon at position 8 of the new reading frame, denoted p.Leu1246GlyfsX8. This variant is predicted to cause loss of normal protein function either through protein truncation or nonsense-mediated mRNA decay. The c.3736_3737delTT variant was not observed in approximately 6,500 individuals of European and African American ancestry in the NHLBI Exome Sequencing Project, indicating it is not a common benign variant in these populations. We interpret c.3736_3737delTT as a strong candidate for a pathogenic variant; however, the possibility it may be a rare benign variant cannot be excluded.

Literature cited by the submitters: PubMed 24355708 (cited by Labcorp Genetics (formerly Invitae), Labcorp).

NM_001166114.2(PNPLA6):c.3850_3851del (p.Leu1284fs)

Gene: PNPLA6 (patatin like domain 6, lysophospholipase; plus strand). Cytogenetic location: 19p13.2.
Variant type: Deletion.
Coding change: c.3850_3851del on transcript NM_001166114.2 (MANE Select); coding-DNA positions 3850 to 3851, 2 bases deleted (TT; older notation c.3850_3851delTT).
Protein change: p.Leu1284fs; shifts the reading frame from leucine 1284.
Molecular consequence: frameshift variant.
Genome position (GRCh38, 1-based): chr19:7,561,047-7,561,048, TT deleted. VCF-style (leftmost placement, unchanged base first): chr19-7561046-CTT-C. GRCh37 (hg19) VCF-style: chr19-7625932-CTT-C.
Other names: c.3880_3881del, p.Leu1294fs (NM_001166111.2); c.3655_3656del, p.Leu1219fs (NM_001166112.2); c.3736_3737del, p.Leu1246fs (NM_001166113.1, NM_006702.5); short protein forms L1219fs, L1294fs, L1246fs, L1284fs.
Identifiers: ClinVar variation 372969 (VCV000372969.5), dbSNP rs1057518107, ClinGen allele CA16043123.
Genomic context (GRCh38, chr19:7,561,046, plus strand): 5'-TAAGAGCCTCACCAGTGTCACCCCACAGGTGCTTGCCTTCCCAAGCTCTGGCTTCACTGA[CTT>C]GGCAGAGATTGTGTCCCGGATTGAGCCCCCCACGAGCTATGTCTCTGATGGCTGTGCTGA-3'